The following is an entry in ClinVar:

NM_004958.4(MTOR):c.3581T>C (p.Met1194Thr)

Gene: MTOR (mechanistic target of rapamycin kinase; minus strand). Cytogenetic location: 1p36.22.
Variant type: single nucleotide variant.
Coding change: c.3581T>C on transcript NM_004958.4 (MANE Select); coding-DNA position 3581, T replaced by C.
Protein change: p.Met1194Thr; replaces methionine 1194 with threonine.
Molecular consequence: missense variant.
Genome position (GRCh38, 1-based): chr1:11,210,887, A>G on the plus strand (T>C on the coding strand, the complement: MTOR is on the minus strand). VCF-style: chr1-11210887-A-G. GRCh37 (hg19) VCF-style: chr1-11270944-A-G.
Other names: c.3581T>C, p.Met1194Thr (NM_001386500.1); c.2333T>C, p.Met778Thr (NM_001386501.1); short protein forms M1194T, M778T.
Identifiers: ClinVar variation 3633493 (VCV003633493.2).

ClinVar aggregate classification (germline): Uncertain significance (1 of 4 stars; one submission).

Submission:

Labcorp Genetics (formerly Invitae), Labcorp
Classification: Uncertain significance. Last evaluated: 2025-01-07. Review status: criteria provided, single submitter. Criteria: Invitae Variant Classification Sherloc (09022015). Collection method: clinical testing. Allele origin: germline.
Comment: This sequence change replaces methionine, which is neutral and non-polar, with threonine, which is neutral and polar, at codon 1194 of the MTOR protein (p.Met1194Thr). This variant is not present in population databases (gnomAD no frequency). This variant has not been reported in the literature in individuals affected with MTOR-related conditions. Invitae Evidence Modeling of protein sequence and biophysical properties (such as structural, functional, and spatial information, amino acid conservation, physicochemical variation, residue mobility, and thermodynamic stability) indicates that this missense variant is not expected to disrupt MTOR protein function with a negative predictive value of 95%. In summary, the available evidence is currently insufficient to determine the role of this variant in disease. Therefore, it has been classified as a Variant of Uncertain Significance.